The following is an entry in ClinVar:

ClinVar aggregate classification (germline): Uncertain significance (1 of 4 stars; one submission).

Conditions:
Duchenne muscular dystrophy (DMD). Also called: MUSCULAR DYSTROPHY, PSEUDOHYPERTROPHIC PROGRESSIVE, DUCHENNE TYPE; Duchenne Muscular Dystrophy (DMD). Identifiers: Orphanet 98896, MedGen C0013264, MONDO:0010679, OMIM 310200.

Allele frequency attached by ClinVar (database versions not stated): TOPMed 0.00002 and 0.00001.
gnomAD v4.1: 4 of 1,210,557 alleles (0.00033%); highest among the groups gnomAD compares: Non-Finnish European, 0.00045%; no homozygotes.

Submission:

Labcorp Genetics (formerly Invitae), Labcorp
Classification: Uncertain significance for Duchenne muscular dystrophy. Last evaluated: 2025-01-12. Review status: criteria provided, single submitter. Criteria: Invitae Variant Classification Sherloc (09022015). Collection method: clinical testing. Allele origin: germline.
Comment: This sequence change replaces proline, which is neutral and non-polar, with arginine, which is basic and polar, at codon 312 of the DMD protein (p.Pro312Arg). This variant is not present in population databases (gnomAD no frequency). This variant has not been reported in the literature in individuals affected with DMD-related conditions. Invitae Evidence Modeling of protein sequence and biophysical properties (such as structural, functional, and spatial information, amino acid conservation, physicochemical variation, residue mobility, and thermodynamic stability) indicates that this missense variant is not expected to disrupt DMD protein function with a negative predictive value of 95%. In summary, the available evidence is currently insufficient to determine the role of this variant in disease. Therefore, it has been classified as a Variant of Uncertain Significance.

NM_004006.3(DMD):c.935C>G (p.Pro312Arg)

Gene: DMD (dystrophin; minus strand). Cytogenetic location: Xp21.1.
Variant type: single nucleotide variant.
Coding change: c.935C>G on transcript NM_004006.3 (MANE Select); coding-DNA position 935, C replaced by G.
Protein change: p.Pro312Arg; replaces proline 312 with arginine.
Molecular consequence: missense variant.
Genome position (GRCh38, 1-based): chrX:32,697,895, G>C on the plus strand (C>G on the coding strand, the complement: DMD is on the minus strand). VCF-style: chrX-32697895-G-C. GRCh37 (hg19) VCF-style: chrX-32716012-G-C.
Other names: c.911C>G, p.Pro304Arg (NM_000109.4); c.923C>G, p.Pro308Arg (NM_004009.3); c.566C>G, p.Pro189Arg (NM_004010.3); short protein forms P189R, P304R, P308R, P312R.
Identifiers: ClinVar variation 3709439 (VCV003709439.2), dbSNP rs1351450783.
Genomic context (GRCh38, chrX:32,697,895, plus strand): 5'-CTGGTTTGTACAACAGAGAGTAAATGTTGACAGACCTGTGAAGGAAATGGGCTCCGTGTA[G>C]GGTCAGAGGTGGTGACATAAGCAGCCTGTGTGTAGGCATAGCTCTTGAATCGAGGCTTAG-3'
Protein context (NP_003997.2, residues 302-322): TQAAYVTTSD[Pro312Arg]TRSPFPSQHL